The following is an entry in ClinVar:

ClinVar aggregate classification (germline): Uncertain significance (1 of 4 stars; one submission).

Conditions:
Dyskinesia with orofacial involvement, autosomal recessive. Identifiers: MedGen C5562036, MONDO:0030625, OMIM 619647.

Submission:

3billion
Classification: Uncertain significance for Dyskinesia with orofacial involvement, autosomal recessive. Last evaluated: 2025-09-22. Review status: criteria provided, single submitter. Criteria: ACMG Guidelines, 2015. Collection method: clinical testing. Allele origin: germline. Affected: yes.
Comment: The variant is not observed in the gnomAD v4.1.0 dataset. Predicted Consequence/Location: Inframe deletion located in a nonrepeat region: predicted to change the length of the protein and disrupt normal protein function. Therefore, this variant is classified as VUS according to the recommendation of ACMG/AMP guideline.

NM_183357.3(ADCY5):c.700TTC[1] (p.Phe235del)

Gene: ADCY5 (adenylate cyclase 5; minus strand). Cytogenetic location: 3q21.1.
Variant type: Microsatellite.
Coding change: c.700TTC[1] on transcript NM_183357.3 (MANE Select); one copy of the 3-base unit TTC starting at c.700; the reference has two copies in a row; one copy, 3 bases deleted; also written c.703_705del.
Protein change: p.Phe235del; deletes phenylalanine 235.
Molecular consequence: inframe deletion.
Genome position (GRCh38, 1-based): chr3:123,447,841-123,447,843, GAA deleted on the plus strand (TTC on the coding strand, the reverse complement: ADCY5 is on the minus strand); deleting any 3 consecutive bases within chr3:123,447,841-123,447,847 gives the same sequence; the position shown is the placement nearest the transcript's 3' end. VCF-style (leftmost placement, unchanged base first): chr3-123447840-GGAA-G. GRCh37 (hg19) VCF-style: chr3-123166687-GGAA-G.
Other names: c.700TTC[1], p.Phe235del (NM_001378259.1); c.703_705del (NM_183357.3); short protein forms F235del.
Identifiers: ClinVar variation 4855835 (VCV004855835.1).